The following is an entry in ClinVar:

NM_006745.5(MSMO1):c.821C>T (p.Thr274Ile)

Gene: MSMO1 (methylsterol monooxygenase 1; plus strand). Cytogenetic location: 4q32.3.
Variant type: single nucleotide variant.
Coding change: c.821C>T on transcript NM_006745.5 (MANE Select); coding-DNA position 821, C replaced by T.
Protein change: p.Thr274Ile; replaces threonine 274 with isoleucine.
Molecular consequence: missense variant.
Genome position (GRCh38, 1-based): chr4:165,341,885, C>T. VCF-style: chr4-165341885-C-T. GRCh37 (hg19) VCF-style: chr4-166263037-C-T.
Other names: c.428C>T, p.Thr143Ile (NM_001017369.3); short protein forms T143I, T274I.
Identifiers: ClinVar variation 2751078 (VCV002751078.3), dbSNP rs2477926507, ClinGen allele CA358689144.
Genomic context (GRCh38, chr4:165,341,885, plus strand): 5'-ACATGAACTTCATTGGAAACTATGCTTCAACATTTACATGGTGGGATCGAATTTTTGGAA[C>T]AGACTCTCAGTATAATGCCTATAATGAAAAGAGGAAGAAGTTTGAGAAAAAGACTGAATA-3'
Protein context (NP_006736.1, residues 264-284): TFTWWDRIFG[Thr274Ile]DSQYNAYNEK

ClinVar aggregate classification (germline): Uncertain significance (1 of 4 stars; one submission).

Submission:

Labcorp Genetics (formerly Invitae), Labcorp
Classification: Uncertain significance. Last evaluated: 2023-08-07. Review status: criteria provided, single submitter. Criteria: Invitae Variant Classification Sherloc (09022015). Collection method: clinical testing. Allele origin: germline.
Comment: In summary, the available evidence is currently insufficient to determine the role of this variant in disease. Therefore, it has been classified as a Variant of Uncertain Significance. Advanced modeling of protein sequence and biophysical properties (such as structural, functional, and spatial information, amino acid conservation, physicochemical variation, residue mobility, and thermodynamic stability) performed at Invitae indicates that this missense variant is expected to disrupt MSMO1 protein function. This variant has not been reported in the literature in individuals affected with MSMO1-related conditions. This variant is not present in population databases (gnomAD no frequency). This sequence change replaces threonine, which is neutral and polar, with isoleucine, which is neutral and non-polar, at codon 274 of the MSMO1 protein (p.Thr274Ile).